The following is an entry in ClinVar:

ClinVar aggregate classification (germline): Pathogenic (1 of 4 stars; one submission).

Conditions:
Primary ciliary dyskinesia 3. Identifiers: Orphanet 244, MedGen C1837618, MONDO:0012085, OMIM 608644.

Submission:

Myriad Genetics, Inc.
Classification: Pathogenic for Primary ciliary dyskinesia 3. Last evaluated: 2025-02-21. Review status: criteria provided, single submitter. Criteria: Myriad Autosomal Dominant, Autosomal Recessive and X-Linked Classification Criteria (2023). Collection method: clinical testing. Allele origin: unknown.
Comment: NM_001369.2(DNAH5):c.7804G>T(G2602*) is expected to be pathogenic in the context of primary ciliary dyskinesia, DNAH5-related. This variant is predicted to lead to an abnormal or absent protein product due to the creation of a premature termination codon in DNAH5, a gene where loss-of-function variants are known to be pathogenic. Please note: this variant was assessed in the context of healthy population screening.

NM_001369.3(DNAH5):c.7804G>T (p.Gly2602Ter)

Gene: DNAH5 (dynein axonemal heavy chain 5; minus strand). Cytogenetic location: 5p15.2.
Variant type: single nucleotide variant.
Coding change: c.7804G>T on transcript NM_001369.3 (MANE Select); coding-DNA position 7804, G replaced by T.
Protein change: p.Gly2602Ter; replaces glycine 2602 with a stop codon.
Molecular consequence: nonsense.
Genome position (GRCh38, 1-based): chr5:13,807,674, C>A on the plus strand (G>T on the coding strand, the complement: DNAH5 is on the minus strand). VCF-style: chr5-13807674-C-A. GRCh37 (hg19) VCF-style: chr5-13807783-C-A.
Other names: short protein forms G2602*.
Identifiers: ClinVar variation 5014121 (VCV005014121.1).
Genomic context (GRCh38, chr5:13,807,674, plus strand): 5'-CAGAAGAAAAATTCAGACTCTTGATCATGTGACATTCAGGATCATATTTTGACATAAATC[C>A]TTTAATTATTACTGTTTTGGCTGTTCCTTGTTCACCAATTAATAGCACAGCCTAAAATAG-3'